The following is an entry in ClinVar:

NM_000180.4(GUCY2D):c.741C>T (p.His247=)

Gene: GUCY2D (guanylate cyclase 2D, retinal; plus strand). Cytogenetic location: 17p13.1.
Variant type: single nucleotide variant.
Coding change: c.741C>T on transcript NM_000180.4 (MANE Select); coding-DNA position 741, C replaced by T.
Protein change: p.His247=; no amino-acid change (histidine 247 retained).
Molecular consequence: synonymous variant.
Genome position (GRCh38, 1-based): chr17:8,003,871, C>T. VCF-style: chr17-8003871-C-T. GRCh37 (hg19) VCF-style: chr17-7907189-C-T.
Identifiers: ClinVar variation 92582 (VCV000092582.16), dbSNP rs3829789, ClinGen allele CA145846.
Genomic context (GRCh38, chr17:8,003,871, plus strand): 5'-CGGCAGCCGGACGGCGCCGCGAGCCAAGCCTCTGTCCGCAGCAGTGATCATGGTGATGCA[C>T]TCGGTGCTGCTGGGTGGCGAGGAGCAGCGCTACCTCCTGGAGGCCGCAGAGGAGCTGGGC-3'
Protein context (NP_000171.1, residues 237-257): PRVTAVIMVM[His247=]SVLLGGEEQR

ClinVar aggregate classification (germline): Benign. Review status: criteria provided, multiple submitters, no conflicts (2 of 4 stars). 5 submissions from 5 submitters: Benign (5). Last evaluated 2026-02-04.

Conditions:
Cone-rod dystrophy 6 (CORD6). Also called: RETINAL CONE DYSTROPHY 2; Cone dystrophy progressive. Identifiers: Orphanet 1872, MedGen C1866293, MONDO:0011143, OMIM 601777.
Leber congenital amaurosis 1 (LCA1). Also called: AMAUROSIS CONGENITA OF LEBER I; Congenital absence of the rods and cones; Leber's congenital tapetoretinal degeneration; Leber's congenital tapetoretinal dysplasia; RETINAL BLINDNESS, CONGENITAL. Identifiers: Orphanet 65, MedGen C2931258, MONDO:0008764, OMIM 204000.

Allele frequency attached by ClinVar (database versions not stated): gnomAD 0.10665 and 0.10928; TOPMed 0.10688; ESP Exome Variant Server 0.10841; 1000 Genomes Project 30x 0.11056; 1000 Genomes Project 0.11202; gnomAD exomes 0.11798 and 0.12863; ExAC 0.12021.
gnomAD v4.1: 204,222 of 1,612,768 alleles (13%); highest among the groups gnomAD compares: East Asian, 20%; 13,568 homozygotes.

Submissions (5):

Labcorp Genetics (formerly Invitae), Labcorp
Classification: Benign for Leber congenital amaurosis 1; Cone-rod dystrophy 6. Last evaluated: 2026-02-04. Review status: criteria provided, single submitter. Criteria: Invitae Variant Classification Sherloc (09022015). Collection method: clinical testing. Allele origin: germline.

GeneDx
Classification: Benign. Last evaluated: 2018-04-26. Review status: criteria provided, single submitter. Criteria: GeneDx Variant Classification (06012015). Collection method: clinical testing. Allele origin: germline. Affected: yes.
Comment: This variant is considered likely benign or benign based on one or more of the following criteria: it is a conservative change, it occurs at a poorly conserved position in the protein, it is predicted to be benign by multiple in silico algorithms, and/or has population frequency not consistent with disease.

Eurofins Ntd Llc (ga)
Classification: Benign. Last evaluated: 2013-08-08. Review status: criteria provided, single submitter. Criteria: EGL Classification Definitions 2015. Collection method: clinical testing. Allele origin: germline. Observed: 3 variant alleles, 3 heterozygotes.

Breakthrough Genomics
Classification: Benign. Review status: criteria provided, single submitter. Criteria: ACMG Guidelines, 2015. Collection method: not provided. Allele origin: germline. Inheritance: Autosomal recessive inheritance. Affected: yes.

PreventionGenetics, part of Exact Sciences
Classification: Benign. Review status: criteria provided, single submitter. Criteria: ACMG Guidelines, 2015. Collection method: clinical testing. Allele origin: germline.